The following is an entry in ClinVar:

NM_020937.4(FANCM):c.4189A>T (p.Met1397Leu)

Gene: FANCM (FA complementation group M; plus strand). Cytogenetic location: 14q21.2.
Variant type: single nucleotide variant.
Coding change: c.4189A>T on transcript NM_020937.4 (MANE Select); coding-DNA position 4189, A replaced by T.
Protein change: p.Met1397Leu; replaces methionine 1397 with leucine.
Molecular consequence: missense variant.
Genome position (GRCh38, 1-based): chr14:45,176,943, A>T. VCF-style: chr14-45176943-A-T. GRCh37 (hg19) VCF-style: chr14-45646146-A-T.
Other names: c.4111A>T, p.Met1371Leu (NM_001308133.2); short protein forms M1397L, M1371L.
Identifiers: ClinVar variation 3572291 (VCV003572291.1).
Genomic context (GRCh38, chr14:45,176,943, plus strand): 5'-TTGAATTCAACTTTTGATTATTCAGAATTTTCTCTAGAAAAGTCTAAAAGCAGTGGTCCA[A>T]TGTATCTGCATAAATCCTGTCATTCTGTTGAAGGTAAGATTCCATCTTTATAAAGTCTAT-3'
Protein context (NP_065988.1, residues 1387-1407): SLEKSKSSGP[Met1397Leu]YLHKSCHSVE

ClinVar aggregate classification (germline): Uncertain significance (1 of 4 stars; one submission).

Submission:

Quest Diagnostics Nichols Institute San Juan Capistrano
Classification: Uncertain significance. Last evaluated: 2024-10-08. Review status: criteria provided, single submitter. Criteria: Quest Diagnostics criteria. Collection method: clinical testing. Allele origin: unknown.
Comment: The FANCM c.4189A>T (p.Met1397Leu) variant has not been reported in individuals with FANCM-related conditions in the published literature. It also has not been reported in large, multi-ethnic general populations (Genome Aggregation Database). Analysis of this variant using bioinformatics tools for the prediction of the effect of amino acid changes on protein structure and function yielded predictions that this variant is benign. Based on the available information, we are unable to determine the clinical significance of this variant.